The following is an entry in ClinVar:

ClinVar aggregate classification (germline): Uncertain significance (1 of 4 stars; one submission).

Conditions:
Pallister-Hall syndrome (PHS). Also called: HYPOTHALAMIC HAMARTOBLASTOMA, HYPOPITUITARISM, IMPERFORATE ANUS, AND POSTAXIAL POLYDACTYLY; GLI3-Related Pallister-Hall Syndrome. Identifiers: Orphanet 672, MedGen C0265220, MONDO:0007804, OMIM 146510.
Greig cephalopolysyndactyly syndrome (GCPS). Also called: POLYSYNDACTYLY WITH PECULIAR SKULL SHAPE; Greig syndrome; GLI3-Related Greig Cephalopolysyndactyly Syndrome. Identifiers: Orphanet 380, MedGen C0265306, MONDO:0008287, OMIM 175700.

Submission:

Labcorp Genetics (formerly Invitae), Labcorp
Classification: Uncertain significance for Pallister-Hall syndrome; Greig cephalopolysyndactyly syndrome. Last evaluated: 2023-04-17. Review status: criteria provided, single submitter. Criteria: Invitae Variant Classification Sherloc (09022015). Collection method: clinical testing. Allele origin: germline.
Comment: In summary, the available evidence is currently insufficient to determine the role of this variant in disease. Therefore, it has been classified as a Variant of Uncertain Significance. Advanced modeling of protein sequence and biophysical properties (such as structural, functional, and spatial information, amino acid conservation, physicochemical variation, residue mobility, and thermodynamic stability) performed at Invitae indicates that this missense variant is not expected to disrupt GLI3 protein function. This variant has not been reported in the literature in individuals affected with GLI3-related conditions. This variant is not present in population databases (gnomAD no frequency). This sequence change replaces cysteine, which is neutral and slightly polar, with glycine, which is neutral and non-polar, at codon 870 of the GLI3 protein (p.Cys870Gly).

NM_000168.6(GLI3):c.2608T>G (p.Cys870Gly)

Gene: GLI3 (GLI family zinc finger 3; minus strand). Cytogenetic location: 7p14.1.
Variant type: single nucleotide variant.
Coding change: c.2608T>G on transcript NM_000168.6 (MANE Select); coding-DNA position 2608, T replaced by G.
Protein change: p.Cys870Gly; replaces cysteine 870 with glycine.
Molecular consequence: missense variant.
Genome position (GRCh38, 1-based): chr7:41,966,465, A>C on the plus strand (T>G on the coding strand, the complement: GLI3 is on the minus strand). VCF-style: chr7-41966465-A-C. GRCh37 (hg19) VCF-style: chr7-42006063-A-C.
Other names: short protein forms C870G.
Identifiers: ClinVar variation 2933910 (VCV002933910.3), dbSNP rs2484380769, ClinGen allele CA367320724.